The following is an entry in ClinVar:

ClinVar aggregate classification (germline): Uncertain significance. Review status: criteria provided, multiple submitters, no conflicts (2 of 4 stars). 4 submissions from 4 submitters: Uncertain significance (4). Last evaluated 2026-02-20.

Conditions:
Neuroblastoma, susceptibility to, 3. Also called: ALK-Related Neuroblastic Tumor Susceptibility. Identifiers: Orphanet 635, MedGen C2751681, MONDO:0013083, OMIM 613014.
Hereditary cancer-predisposing syndrome. Also called: Neoplastic Syndromes, Hereditary; Tumor predisposition; Hereditary Cancer Syndrome; Hereditary neoplastic syndrome. Identifiers: Orphanet 140162, MedGen C0027672, MeSH D009386, MONDO:0015356.

Allele frequency attached by ClinVar (database versions not stated): gnomAD exomes below 0.00001; gnomAD 0.00001 and 0.00002; TOPMed 0.00002; 1000 Genomes Project 30x 0.00031.
gnomAD v4.1: 5 of 1,614,128 alleles (0.00031%); highest among the groups gnomAD compares: African/African-American, 0.004%; no homozygotes.

Submissions (4):

St. Jude Molecular Pathology, St. Jude Children's Research Hospital
Classification: Uncertain significance for Neuroblastoma, susceptibility to, 3. Last evaluated: 2026-02-20. Review status: criteria provided, single submitter. Criteria: St. Jude Assertion Criteria 2020. Collection method: clinical testing. Allele origin: germline.
Comment: The ALK c.4768G>A p.(Gly1590Ser) missense change has a maximum subpopulation allele frequency of 0.003% in gnomAD v2.1.1. The in silico tool REVEL predicts a benign effect on protein function, but to our knowledge this prediction has not been confirmed by functional studies. To our knowledge, this variant has not been reported in individuals with ALK-related neuroblastic tumor susceptibility. In summary, the evidence currently available is ins ufficient to determine the clinical significance of this variant. It has therefore been classified as of uncertain significance.

Labcorp Genetics (formerly Invitae), Labcorp
Classification: Uncertain significance for Neuroblastoma, susceptibility to, 3. Last evaluated: 2025-07-29. Review status: criteria provided, single submitter. Criteria: Invitae Variant Classification Sherloc (09022015). Collection method: clinical testing. Allele origin: germline.
Comment: This sequence change replaces glycine, which is neutral and non-polar, with serine, which is neutral and polar, at codon 1590 of the ALK protein (p.Gly1590Ser). This variant is present in population databases (rs190639819, gnomAD 0.003%). This variant has not been reported in the literature in individuals affected with ALK-related conditions. ClinVar contains an entry for this variant (Variation ID: 538188). An algorithm developed to predict the effect of missense changes on protein structure and function (PolyPhen-2) suggests that this variant is likely to be disruptive. In summary, the available evidence is currently insufficient to determine the role of this variant in disease. Therefore, it has been classified as a Variant of Uncertain Significance.

Ambry Genetics
Classification: Uncertain significance for Hereditary cancer-predisposing syndrome. Last evaluated: 2025-06-20. Review status: criteria provided, single submitter. Criteria: Ambry Variant Classification Scheme 2023. Collection method: clinical testing. Allele origin: germline.
Comment: The p.G1590S variant (also known as c.4768G>A), located in coding exon 29 of the ALK gene, results from a G to A substitution at nucleotide position 4768. The glycine at codon 1590 is replaced by serine, an amino acid with similar properties. This amino acid position is conserved. In addition, this alteration is predicted to be tolerated by in silico analysis. Since supporting evidence is limited at this time, the clinical significance of this alteration remains unclear.

Baylor Genetics
Classification: Uncertain significance for Neuroblastoma, susceptibility to, 3. Last evaluated: 2024-03-11. Review status: criteria provided, single submitter. Criteria: ACMG Guidelines, 2015. Collection method: clinical testing. Allele origin: unknown.

NM_004304.5(ALK):c.4768G>A (p.Gly1590Ser)

Gene: ALK (ALK receptor tyrosine kinase; minus strand). Cytogenetic location: 2p23.2.
Variant type: single nucleotide variant.
Coding change: c.4768G>A on transcript NM_004304.5 (MANE Select); coding-DNA position 4768, G replaced by A.
Protein change: p.Gly1590Ser; replaces glycine 1590 with serine.
Molecular consequence: missense variant.
Genome position (GRCh38, 1-based): chr2:29,193,319, C>T on the plus strand (G>A on the coding strand, the complement: ALK is on the minus strand). VCF-style: chr2-29193319-C-T. GRCh37 (hg19) VCF-style: chr2-29416185-C-T.
Other names: c.1564G>A, p.Gly522Ser (NM_001353765.2); short protein forms G1590S, G522S.
Identifiers: ClinVar variation 538188 (VCV000538188.11), dbSNP rs190639819, ClinGen allele CA44634667.
Genomic context (GRCh38, chr2:29,193,319, plus strand): 5'-TCAGAATGGTATCCTCGTAATGACCAGCTCCAGGGGCAGTAGCGGCTTCTAAGGGCAAGC[C>T]CTGTTGCTGGTAGCCGTAATTGACATTCCCACAAGGGAAGTGACGTAGCCTGAACAGAGG-3'
Protein context (NP_004295.2, residues 1580-1600): GNVNYGYQQQ[Gly1590Ser]LPLEAATAPG